The following is an entry in ClinVar:

ClinVar aggregate classification (germline): Pathogenic/Likely pathogenic. Review status: criteria provided, multiple submitters, no conflicts (2 of 4 stars). 7 submissions from 7 submitters: Pathogenic (2); Likely pathogenic (3). 2 of the submissions do not count toward it. Last evaluated 2026-01-24.

Conditions:
ARSA-related disorder. Also called: ARSA-related condition.
Metachromatic leukodystrophy (MLD). Also called: METACHROMATIC LEUKOENCEPHALOPATHY; SULFATIDE LIPIDOSIS; Cerebral sclerosis diffuse metachromatic form; Arylsulfatase A Deficiency; ARSA DEFICIENCY; CEREBROSIDE SULFATASE DEFICIENCY. Identifiers: Orphanet 512, MedGen C0023522, MONDO:0018868, OMIM 250100.

Allele frequency attached by ClinVar (database versions not stated): gnomAD 0.00004; ESP Exome Variant Server 0.00008; TOPMed 0.00005.

Submissions (7):

Labcorp Genetics (formerly Invitae), Labcorp
Classification: Pathogenic for Metachromatic leukodystrophy. Last evaluated: 2026-01-24. Review status: criteria provided, single submitter. Criteria: Invitae Variant Classification Sherloc (09022015). Collection method: clinical testing. Allele origin: germline.
Comment: This sequence change replaces arginine, which is basic and polar, with glutamine, which is neutral and polar, at codon 392 of the ARSA protein (p.Arg392Gln). This variant is present in population databases (rs199476391, gnomAD 0.01%). This missense change has been observed in individual(s) with metachromatic leukodystrophy (PMID: 9452102, 20339381, 26462614; internal data). This variant is also known as Arg390Gln. ClinVar contains an entry for this variant (Variation ID: 68116). Invitae Evidence Modeling of protein sequence and biophysical properties (such as structural, functional, and spatial information, amino acid conservation, physicochemical variation, residue mobility, and thermodynamic stability) indicates that this missense variant is expected to disrupt ARSA protein function with a positive predictive value of 95%. Experimental studies have shown that this missense change affects ARSA function (PMID: 9452102). For these reasons, this variant has been classified as Pathogenic.

Natera, Inc.
Classification: Pathogenic for Metachromatic leukodystrophy. Last evaluated: 2025-09-04. Review status: criteria provided, single submitter. Criteria: Natera Variant Classification Schema (03/2026). Collection method: clinical testing. Allele origin: germline.
Comment: The c.1175G>A variant in ARSA is a missense variant predicted to cause substitution of arginine to glutamine at amino acid 392. This variant is rare in the general population with a frequency below the threshold expected for the associated phenotype(s). This variant has been observed in one or more individuals affected with the associated recessive disease, as either homozygous or compound heterozygous with a second variant (PMID: 9452102, 20339381, 26462614). Functional studies show that this variant may disrupt protein function (PMID: 9452102). A different variant at the same position has been determined to be Pathogenic or Likely Pathogenic. Computational prediction algorithms indicate this variant is likely to affect gene or protein function. Given the available evidence, this variant is classified as Pathogenic.

Fulgent Genetics
Classification: Likely pathogenic for Metachromatic leukodystrophy. Last evaluated: 2024-06-22. Review status: criteria provided, single submitter. Criteria: ACMG Guidelines, 2015. Collection method: clinical testing. Allele origin: germline.

Blueprint Genetics
Classification: Likely pathogenic for ARSA-related disorders. Last evaluated: 2022-09-23. Review status: criteria provided, single submitter. Criteria: ACMG Guidelines, 2015. Collection method: clinical testing. Allele origin: germline. Affected: yes. Observed: 3 variant alleles.

Eurofins Ntd Llc (ga)
Classification: Likely pathogenic. Last evaluated: 2015-05-19. Review status: criteria provided, single submitter. Criteria: EGL Classification Definitions 2015. Collection method: clinical testing. Allele origin: germline. Observed: 5 variant alleles, 5 heterozygotes.

Counsyl
Classification: Uncertain significance for Metachromatic leukodystrophy. Last evaluated: 2017-11-07. Review status: no assertion criteria provided. Collection method: clinical testing. Allele origin: unknown. Not counted in ClinVar's aggregate classification.

UniProtKB/Swiss-Prot
No classification provided. Review status: no classification provided. Collection method: not provided. Allele origin: not provided. Not counted in ClinVar's aggregate classification.

Literature cited by the submitters: PubMed 9452102 (cited by 4 submitters); PubMed 20339381 (cited by 4 submitters); PubMed 26462614 (cited by Labcorp Genetics (formerly Invitae), Labcorp and Natera, Inc.).

NM_000487.6(ARSA):c.1175G>A (p.Arg392Gln)

Gene: ARSA (arylsulfatase A; minus strand). Cytogenetic location: 22q13.33.
Variant type: single nucleotide variant.
Coding change: c.1175G>A on transcript NM_000487.6 (MANE Select); coding-DNA position 1175, G replaced by A.
Protein change: p.Arg392Gln; replaces arginine 392 with glutamine.
Molecular consequence: missense variant.
Genome position (GRCh38, 1-based): chr22:50,625,614, C>T on the plus strand (G>A on the coding strand, the complement: ARSA is on the minus strand). VCF-style: chr22-50625614-C-T. GRCh37 (hg19) VCF-style: chr22-51064042-C-T.
Other names: c.1175G>A, p.Arg392Gln (NM_001085426.3, NM_001085427.3, NM_001085425.3); c.917G>A, p.Arg306Gln (NM_001085428.3, NM_001362782.2); short protein forms R392Q, R306Q.
Identifiers: ClinVar variation 68116 (VCV000068116.28), dbSNP rs199476391, ClinGen allele CA218988.